The following is an entry in ClinVar:

NM_053025.4(MYLK):c.5086A>G (p.Ile1696Val)

Genes: MYLK-AS1 (MYLK antisense RNA 1; plus strand), MYLK (myosin light chain kinase; minus strand), LOC126806791 (MED14-independent group 3 enhancer GRCh37_chr3:123347871-123349070; plus strand). Cytogenetic location: 3q21.1.
Variant type: single nucleotide variant.
Coding change: c.5086A>G on transcript NM_053025.4 (MANE Select); coding-DNA position 5086, A replaced by G.
Protein change: p.Ile1696Val; replaces isoleucine 1696 with valine.
Molecular consequence: missense variant. On other transcripts: non-coding transcript variant (2), intron variant (2).
Genome position (GRCh38, 1-based): chr3:123,629,502, T>C on the plus strand (A>G on the coding strand, the complement: MYLK is on the minus strand). VCF-style: chr3-123629502-T-C. GRCh37 (hg19) VCF-style: chr3-123348349-T-C.
Other names: c.4558A>G, p.Ile1520Val (NM_001321309.2); c.4879A>G, p.Ile1627Val (NM_053026.4); c.4755-2561A>G (NM_053028.4); c.4962-2561A>G (NM_053027.4); short protein forms I1696V, I1627V, I1520V.
Identifiers: ClinVar variation 4695566 (VCV004695566.1).
Genomic context (GRCh38, chr3:123,629,502, plus strand): 5'-GGGAAGCAAAGACTGAAATCCCAACTCATTACTTCATATCTTTCTTCAGCAGATTGCTGA[T>C]GAAATCCTTGGCATCGTCGGAGATCTCATCGAATGCCTCGTCGTCGAAGTCCCAGGTGGC-3'
Protein context (NP_444253.3, residues 1686-1706): DEISDDAKDF[Ile1696Val]SNLLKKDMKN

ClinVar aggregate classification (germline): Uncertain significance (1 of 4 stars; one submission).

Conditions:
Aortic aneurysm, familial thoracic 7 (AAT7). Also called: AORTIC DISSECTION, FAMILIAL, WITH OR WITHOUT AORTIC ANEURYSM. Identifiers: MedGen C3151077, MONDO:0013418, OMIM 613780.

gnomAD v4.1: 1 of 1,614,230 alleles (0.000062%); highest among the groups gnomAD compares: Non-Finnish European, 0.000085%; no homozygotes.

Submission:

Labcorp Genetics (formerly Invitae), Labcorp
Classification: Uncertain significance for Aortic aneurysm, familial thoracic 7. Last evaluated: 2025-05-27. Review status: criteria provided, single submitter. Criteria: Invitae Variant Classification Sherloc (09022015). Collection method: clinical testing. Allele origin: germline.
Comment: This sequence change replaces isoleucine, which is neutral and non-polar, with valine, which is neutral and non-polar, at codon 1696 of the MYLK protein (p.Ile1696Val). This variant is not present in population databases (gnomAD no frequency). This variant has not been reported in the literature in individuals affected with MYLK-related conditions. Invitae Evidence Modeling of protein sequence and biophysical properties (such as structural, functional, and spatial information, amino acid conservation, physicochemical variation, residue mobility, and thermodynamic stability) indicates that this missense variant is not expected to disrupt MYLK protein function with a negative predictive value of 95%. In summary, the available evidence is currently insufficient to determine the role of this variant in disease. Therefore, it has been classified as a Variant of Uncertain Significance.